The following is an entry in ClinVar:

ClinVar aggregate classification (germline): Likely benign. Review status: criteria provided, multiple submitters, no conflicts (2 of 4 stars). 2 submissions from 2 submitters: Likely benign (2). Last evaluated 2025-09-24.

Conditions:
Hypercholesterolemia, autosomal dominant, 3 (FHCL3). Also called: Familial Hypercholesterolemia, Autosomal Dominant, 3; Familial hypercholesterolemia 3; PCSK9-Related Familial Hypercholesterolemia, Autosomal Dominant. Identifiers: MedGen C1863551, MONDO:0011369, OMIM 603776.

Allele frequency attached by ClinVar (database versions not stated): gnomAD exomes below 0.00001; TOPMed 0.00003; gnomAD 0.00004.
gnomAD v4.1: 11 of 1,609,424 alleles (0.00068%); highest among the groups gnomAD compares: Admixed American, 0.013%; no homozygotes.

Submissions (2):

Labcorp Genetics (formerly Invitae), Labcorp
Classification: Likely benign for Hypercholesterolemia, autosomal dominant, 3. Last evaluated: 2025-09-24. Review status: criteria provided, single submitter. Criteria: Invitae Variant Classification Sherloc (09022015). Collection method: clinical testing. Allele origin: germline.

Women's Health and Genetics/Laboratory Corporation of America, LabCorp
Classification: Likely benign. Last evaluated: 2025-01-09. Review status: criteria provided, single submitter. Criteria: LabCorp Variant Classification Summary - May 2015. Collection method: clinical testing. Allele origin: germline.
Comment: Variant summary: PCSK9 c.1354+12G>A alters a non-conserved nucleotide located at a position not widely known to affect splicing. Consensus agreement among computation tools predict no significant impact on normal splicing. However, these predictions have yet to be confirmed by functional studies. The variant allele was found at a frequency of 4.1e-06 in 245792 control chromosomes. The available data on variant occurrences in the general population are insufficient to allow any conclusion about variant significance. c.1354+12G>A has been reported in the literature in at least one individual affected with acute coronary syndrome without evidence of causality (e.g. Amor-Salamanca_2017). These report(s) do not provide unequivocal conclusions about association of the variant with Familial Hypercholesterolemia. To our knowledge, no experimental evidence demonstrating an impact on protein function has been reported. The following publication has been ascertained in the context of this evaluation (PMID: 28958330). ClinVar contains an entry for this variant (Variation ID: 1723382). Based on the evidence outlined above, the variant was classified as likely benign.

Literature cited by the submitters: PubMed 28958330 (cited by Women's Health and Genetics/Laboratory Corporation of America, LabCorp).

NM_174936.4(PCSK9):c.1354+12G>A

Gene: PCSK9 (proprotein convertase subtilisin/kexin type 9; plus strand). Cytogenetic location: 1p32.3.
Variant type: single nucleotide variant.
Coding change: c.1354+12G>A on transcript NM_174936.4 (MANE Select); 12 bases into the intron after coding-DNA position 1354, G replaced by A.
Molecular consequence: intron variant.
Genome position (GRCh38, 1-based): chr1:55,058,221, G>A. VCF-style: chr1-55058221-G-A. GRCh37 (hg19) VCF-style: chr1-55523894-G-A.
Identifiers: ClinVar variation 1723382 (VCV001723382.5), dbSNP rs962890462, ClinGen allele CA22764300.
Genomic context (GRCh38, chr1:55,058,221, plus strand): 5'-CTGACCCCCAACCTGGTGGCCGCCCTGCCCCCCAGCACCCATGGGGCAGGTAAGCAGGAT[G>A]GCAGGGTGGGCAAGTCCAGGCTGGGGCTTGGGAGGTCTGTGTGACCTTGACAGTCTCTCC-3'